The following is an entry in ClinVar:

ClinVar aggregate classification (germline): Uncertain significance (1 of 4 stars; one submission).

Submission:

Labcorp Genetics (formerly Invitae), Labcorp
Classification: Uncertain significance. Last evaluated: 2022-02-06. Review status: criteria provided, single submitter. Criteria: Invitae Variant Classification Sherloc (09022015). Collection method: clinical testing. Allele origin: germline.
Comment: In summary, the available evidence is currently insufficient to determine the role of this variant in disease. Therefore, it has been classified as a Variant of Uncertain Significance. Algorithms developed to predict the effect of sequence changes on RNA splicing suggest that this variant may disrupt the consensus splice site. This variant has not been reported in the literature in individuals affected with LAMA5-related conditions. This variant is not present in population databases (gnomAD no frequency). This sequence change creates a premature translational stop signal (p.Trp3363*) in the LAMA5 gene. It is expected to result in an absent or disrupted protein product. However, the current clinical and genetic evidence is not sufficient to establish whether loss-of-function variants in LAMA5 cause disease.

NM_005560.6(LAMA5):c.10088G>A (p.Trp3363Ter)

Gene: LAMA5 (laminin subunit alpha 5; minus strand). Cytogenetic location: 20q13.33.
Variant type: single nucleotide variant.
Coding change: c.10088G>A on transcript NM_005560.6 (MANE Select); coding-DNA position 10088, G replaced by A.
Protein change: p.Trp3363Ter; replaces tryptophan 3363 with a stop codon.
Molecular consequence: nonsense.
Genome position (GRCh38, 1-based): chr20:62,311,162, C>T on the plus strand (G>A on the coding strand, the complement: LAMA5 is on the minus strand). VCF-style: chr20-62311162-C-T. GRCh37 (hg19) VCF-style: chr20-60886218-C-T.
Other names: short protein forms W3363*.
Identifiers: ClinVar variation 2093885 (VCV002093885.4), dbSNP rs2516639877, ClinGen allele CA409538383.